The following is an entry in ClinVar:

ClinVar aggregate classification (germline): Uncertain significance. Review status: criteria provided, multiple submitters, no conflicts (2 of 4 stars). 2 submissions from 2 submitters: Uncertain significance (2). Last evaluated 2025-04-08.

Conditions:
DICER1-related tumor predisposition. Also called: DICER1-related pleuropulmonary blastoma cancer predisposition syndrome; DICER1 syndrome. Identifiers: Orphanet 284343, MedGen C3839822, MONDO:0100216.
Hereditary cancer-predisposing syndrome. Also called: Tumor predisposition; Neoplastic Syndromes, Hereditary; Hereditary Cancer Syndrome; Hereditary neoplastic syndrome. Identifiers: Orphanet 140162, MedGen C0027672, MeSH D009386, MONDO:0015356.

Submissions (2):

Ambry Genetics
Classification: Uncertain significance for Hereditary cancer-predisposing syndrome. Last evaluated: 2025-04-08. Review status: criteria provided, single submitter. Criteria: Ambry Variant Classification Scheme 2023. Collection method: clinical testing. Allele origin: germline.
Comment: The p.K462R variant (also known as c.1385A>G), located in coding exon 8 of the DICER1 gene, results from an A to G substitution at nucleotide position 1385. The lysine at codon 462 is replaced by arginine, an amino acid with highly similar properties. This amino acid position is highly conserved in available vertebrate species. In addition, the in silico prediction for this alteration is inconclusive. Since supporting evidence is limited at this time, the clinical significance of this alteration remains unclear.

Labcorp Genetics (formerly Invitae), Labcorp
Classification: Uncertain significance for DICER1-related tumor predisposition. Last evaluated: 2025-04-03. Review status: criteria provided, single submitter. Criteria: Invitae Variant Classification Sherloc (09022015). Collection method: clinical testing. Allele origin: germline.
Comment: This sequence change replaces lysine, which is basic and polar, with arginine, which is basic and polar, at codon 462 of the DICER1 protein (p.Lys462Arg). This variant is not present in population databases (gnomAD no frequency). This variant has not been reported in the literature in individuals affected with DICER1-related conditions. ClinVar contains an entry for this variant (Variation ID: 477036). Invitae Evidence Modeling of protein sequence and biophysical properties (such as structural, functional, and spatial information, amino acid conservation, physicochemical variation, residue mobility, and thermodynamic stability) indicates that this missense variant is not expected to disrupt DICER1 protein function with a negative predictive value of 95%. In summary, the available evidence is currently insufficient to determine the role of this variant in disease. Therefore, it has been classified as a Variant of Uncertain Significance.

NM_177438.3(DICER1):c.1385A>G (p.Lys462Arg)

Gene: DICER1 (dicer 1, ribonuclease III; minus strand). Cytogenetic location: 14q32.13.
Variant type: single nucleotide variant.
Coding change: c.1385A>G on transcript NM_177438.3 (MANE Select); coding-DNA position 1385, A replaced by G.
Protein change: p.Lys462Arg; replaces lysine 462 with arginine.
Molecular consequence: missense variant.
Genome position (GRCh38, 1-based): chr14:95,117,746, T>C on the plus strand (A>G on the coding strand, the complement: DICER1 is on the minus strand). VCF-style: chr14-95117746-T-C. GRCh37 (hg19) VCF-style: chr14-95584083-T-C.
Other names: c.1385A>G, p.Lys462Arg (NM_001195573.1, NM_001271282.3, NM_001291628.2 and 1 more transcripts); short protein forms K462R.
Identifiers: ClinVar variation 477036 (VCV000477036.15), dbSNP rs1555373256, ClinGen allele CA390885687.
Genomic context (GRCh38, chr14:95,117,746, plus strand): 5'-TGTCCAGTTATGAAATTGCTACTGATATAAGCCAGCTCTGGATCTTGTTTGCCAGCTTCC[T>C]TTATCAATCTAAGAAAATTATACACATTTGGAAGTTAAACGTTGCTGAAAGAAAATAAAC-3'
Protein context (NP_803187.1, residues 452-472): YTAVVLNRLI[Lys462Arg]EAGKQDPELA